The following is an entry in ClinVar:

ClinVar aggregate classification (germline): Uncertain significance (1 of 4 stars; one submission).

Allele frequency attached by ClinVar (database versions not stated): gnomAD exomes below 0.00001.
gnomAD v4.1: 2 of 1,613,622 alleles (0.00012%); highest among the groups gnomAD compares: East Asian, 0.0022%; no homozygotes.

Submission:

Labcorp Genetics (formerly Invitae), Labcorp
Classification: Uncertain significance. Last evaluated: 2022-07-19. Review status: criteria provided, single submitter. Criteria: Invitae Variant Classification Sherloc (09022015). Collection method: clinical testing. Allele origin: germline.
Comment: This sequence change replaces serine, which is neutral and polar, with arginine, which is basic and polar, at codon 11 of the NBAS protein (p.Ser11Arg). This variant is present in population databases (no rsID available, gnomAD 0.006%). This variant has not been reported in the literature in individuals affected with NBAS-related conditions. ClinVar contains an entry for this variant (Variation ID: 1492303). Algorithms developed to predict the effect of missense changes on protein structure and function are either unavailable or do not agree on the potential impact of this missense change (SIFT: "Deleterious"; PolyPhen-2: "Benign"; Align-GVGD: "Class C65"). In summary, the available evidence is currently insufficient to determine the role of this variant in disease. Therefore, it has been classified as a Variant of Uncertain Significance.

NM_015909.4(NBAS):c.33T>A (p.Ser11Arg)

Genes: NBAS (NBAS subunit of NRZ tethering complex; minus strand), LOC129933155 (ATAC-STARR-seq lymphoblastoid active region 15346; plus strand). Cytogenetic location: 2p24.3.
Variant type: single nucleotide variant.
Coding change: c.33T>A on transcript NM_015909.4 (MANE Select); coding-DNA position 33, T replaced by A.
Protein change: p.Ser11Arg; replaces serine 11 with arginine.
Molecular consequence: missense variant. On other transcripts: non-coding transcript variant (1).
Genome position (GRCh38, 1-based): chr2:15,561,272, A>T on the plus strand (T>A on the coding strand, the complement: NBAS is on the minus strand). VCF-style: chr2-15561272-A-T. GRCh37 (hg19) VCF-style: chr2-15701396-A-T.
Other names: short protein forms S11R.
Identifiers: ClinVar variation 1492303 (VCV001492303.3), dbSNP rs1219843162, ClinGen allele CA345895195.
Genomic context (GRCh38, chr2:15,561,272, plus strand): 5'-CTCGGTGTTGACCAACAAGTCATAGAGAATCGTCTCCTCCTCACCCTCTGCAGTGCCTGG[A>T]CTCAAAGCCGGCCCTGACTCGGGGGCCGCCATGTTCGCCGAGGACTCAGGCAGCGGAGGA-3'
Protein context (NP_056993.2, residues 1-21): MAAPESGPAL[Ser11Arg]PGTAEGEEET